The following is an entry in ClinVar:

NM_004329.3(BMPR1A):c.773T>C (p.Val258Ala)

Gene: BMPR1A (bone morphogenetic protein receptor type 1A; plus strand). Cytogenetic location: 10q23.2.
Variant type: single nucleotide variant.
Coding change: c.773T>C on transcript NM_004329.3 (MANE Select); coding-DNA position 773, T replaced by C.
Protein change: p.Val258Ala; replaces valine 258 with alanine.
Molecular consequence: missense variant.
Genome position (GRCh38, 1-based): chr10:86,917,231, T>C. VCF-style: chr10-86917231-T-C. GRCh37 (hg19) VCF-style: chr10-88676988-T-C.
Other names: short protein forms V258A.
Identifiers: ClinVar variation 663000 (VCV000663000.7), dbSNP rs1589290731, ClinGen allele CA377457908.

ClinVar aggregate classification (germline): Uncertain significance. Review status: criteria provided, multiple submitters, no conflicts (2 of 4 stars). 4 submissions from 4 submitters: Uncertain significance (4). Last evaluated 2026-03-25.

Conditions:
Juvenile polyposis syndrome (JPS). Identifiers: Orphanet 2929, MedGen C0345893, MONDO:0017380, OMIM 174900.
Hereditary cancer-predisposing syndrome. Also called: Neoplastic Syndromes, Hereditary; Tumor predisposition; Hereditary Cancer Syndrome; Hereditary neoplastic syndrome. Identifiers: Orphanet 140162, MedGen C0027672, MeSH D009386, MONDO:0015356.

Submissions (4):

GeneDx
Classification: Uncertain significance. Last evaluated: 2026-03-25. Review status: criteria provided, single submitter. Criteria: GeneDx Variant Classification Process June 2021. Collection method: clinical testing. Allele origin: germline.
Comment: Not observed at significant frequency in large population cohorts (gnomAD); In silico analysis supports that this missense variant has a deleterious effect on protein structure/function; Has not been previously published as pathogenic or benign to our knowledge

Color Diagnostics, LLC DBA Color Health
Classification: Uncertain significance for Hereditary cancer-predisposing syndrome. Last evaluated: 2024-05-24. Review status: criteria provided, single submitter. Criteria: ACMG Guidelines, 2015. Collection method: clinical testing. Allele origin: germline.
Comment: This missense variant replaces valine with alanine at codon 258 of the BMPR1A protein. Computational prediction suggests that this variant may have deleterious impact on protein structure and function (internally defined REVEL score threshold >= 0.7, PMID: 27666373). To our knowledge, functional studies have not been reported for this variant. This variant has not been reported in individuals affected with BMPR1A-related disorders in the literature. This variant has not been identified in the general population by the Genome Aggregation Database (gnomAD). The available evidence is insufficient to determine the role of this variant in disease conclusively. Therefore, this variant is classified as a Variant of Uncertain Significance.

Ambry Genetics
Classification: Uncertain significance for Hereditary cancer-predisposing syndrome. Last evaluated: 2023-10-13. Review status: criteria provided, single submitter. Criteria: Ambry Variant Classification Scheme 2023. Collection method: clinical testing. Allele origin: germline.
Comment: The p.V258A variant (also known as c.773T>C), located in coding exon 7 of the BMPR1A gene, results from a T to C substitution at nucleotide position 773. The valine at codon 258 is replaced by alanine, an amino acid with similar properties. This amino acid position is conserved. In addition, this alteration is predicted to be deleterious by in silico analysis. Since supporting evidence is limited at this time, the clinical significance of this alteration remains unclear.

Labcorp Genetics (formerly Invitae), Labcorp
Classification: Uncertain significance for Juvenile polyposis syndrome. Last evaluated: 2023-01-18. Review status: criteria provided, single submitter. Criteria: Invitae Variant Classification Sherloc (09022015). Collection method: clinical testing. Allele origin: germline.
Comment: In summary, the available evidence is currently insufficient to determine the role of this variant in disease. Therefore, it has been classified as a Variant of Uncertain Significance. Advanced modeling performed at Invitae incorporating data from internal and/or published experimental studies (Invitae) indicates that this missense variant is expected to disrupt BMPR1A function. ClinVar contains an entry for this variant (Variation ID: 663000). This variant has not been reported in the literature in individuals affected with BMPR1A-related conditions. This variant is not present in population databases (gnomAD no frequency). This sequence change replaces valine, which is neutral and non-polar, with alanine, which is neutral and non-polar, at codon 258 of the BMPR1A protein (p.Val258Ala).